The following is an entry in ClinVar:

ClinVar aggregate classification (germline): Conflicting classifications of pathogenicity. Review status: criteria provided, conflicting classifications (1 of 4 stars). 2 submissions from 2 submitters: Pathogenic (1); Uncertain significance (1). Last evaluated 2025-09-01.

Submissions (2):

Labcorp Genetics (formerly Invitae), Labcorp
Classification: Pathogenic. Last evaluated: 2025-09-01. Review status: criteria provided, single submitter. Criteria: Invitae Variant Classification Sherloc (09022015). Collection method: clinical testing. Allele origin: germline.
Comment: This sequence change creates a premature translational stop signal (p.Leu321Trpfs*6) in the SERPINH1 gene. While this is not anticipated to result in nonsense mediated decay, it is expected to disrupt the last 98 amino acid(s) of the SERPINH1 protein. This variant is present in population databases (rs772433295, gnomAD 0.004%). This variant has not been reported in the literature in individuals affected with SERPINH1-related conditions. ClinVar contains an entry for this variant (Variation ID: 282649). This variant disrupts a region of the SERPINH1 protein in which other variant(s) (p.Asp412*) have been determined to be pathogenic (PMID: 31179625). This suggests that this is a clinically significant region of the protein, and that variants that disrupt it are likely to be disease-causing. For these reasons, this variant has been classified as Pathogenic.

Eurofins Ntd Llc (ga)
Classification: Uncertain significance. Last evaluated: 2015-08-26. Review status: criteria provided, single submitter. Criteria: EGL Classification Definitions 2015. Collection method: clinical testing. Allele origin: germline. Observed: 1 variant allele, 1 heterozygote.

Literature cited by the submitters: PubMed 31179625 (cited by Labcorp Genetics (formerly Invitae), Labcorp).

NM_001235.5(SERPINH1):c.961del (p.Leu321fs)

Gene: SERPINH1 (serpin family H member 1; plus strand). Cytogenetic location: 11q13.5.
Variant type: Deletion.
Coding change: c.961del on transcript NM_001235.5 (MANE Select); coding-DNA position 961, one base deleted (C; older notation c.961delC).
Protein change: p.Leu321fs; shifts the reading frame from leucine 321.
Molecular consequence: frameshift variant.
Genome position (GRCh38, 1-based): chr11:75,571,787, C deleted; the last of 2 consecutive C bases (chr11:75,571,786-75,571,787); deleting either gives the same sequence. VCF-style (leftmost placement, unchanged base first): chr11-75571785-AC-A. GRCh37 (hg19) VCF-style: chr11-75282830-AC-A.
Other names: c.961del, p.Leu321fs (NM_001207014.3); short protein forms L321fs.
Identifiers: ClinVar variation 282649 (VCV000282649.6), dbSNP rs772433295, ClinGen allele CA6190985.